The following is an entry in ClinVar:

ClinVar aggregate classification (germline): Benign (1 of 4 stars; one submission).

Allele frequency attached by ClinVar (database versions not stated): gnomAD 0.00045; TOPMed 0.00055; 1000 Genomes Project 30x 0.00062; 1000 Genomes Project 0.00080.
gnomAD v4.1: 118 of 985,370 alleles (0.012%); highest among the groups gnomAD compares: Middle Eastern, 0.26%; 1 homozygote.

Submission:

CeGaT Center for Human Genetics Tuebingen
Classification: Benign. Last evaluated: 2022-10-01. Review status: criteria provided, single submitter. Criteria: CeGaT Center For Human Genetics Tuebingen Variant Classification Criteria Version 2. Collection method: clinical testing. Allele origin: germline. Affected: yes. Observed: 1 variant allele.
Comment: SKI: BS1, BS2

NM_003036.4(SKI):c.969+10971T>C

Gene: SKI (SKI proto-oncogene; plus strand). Cytogenetic location: 1p36.33.
Variant type: single nucleotide variant.
Coding change: c.969+10971T>C on transcript NM_003036.4 (MANE Select); 10971 bases into the intron after coding-DNA position 969, T replaced by C.
Molecular consequence: intron variant.
Genome position (GRCh38, 1-based): chr1:2,240,706, T>C. VCF-style: chr1-2240706-T-C. GRCh37 (hg19) VCF-style: chr1-2172145-T-C.
Identifiers: ClinVar variation 2638075 (VCV002638075.24), dbSNP rs142465635, ClinGen allele CA16884731.